The following is an entry in ClinVar:

ClinVar aggregate classification (germline): Pathogenic (1 of 4 stars; one submission).

Conditions:
LAMA2-related muscular dystrophy (LAMA2-RD). Also called: Laminin alpha 2-related dystrophy. Identifiers: MedGen C5679788, MONDO:0100228.

Submission:

Myriad Genetics, Inc.
Classification: Pathogenic for LAMA2-related muscular dystrophy. Last evaluated: 2024-09-26. Review status: criteria provided, single submitter. Criteria: Myriad Autosomal Dominant, Autosomal Recessive and X-Linked Classification Criteria (2023). Collection method: clinical testing. Allele origin: unknown.
Comment: NM_000426.3(LAMA2):c.8543delA(H2848Pfs*5) is expected to be pathogenic in the context of muscular dystrophy, LAMA2-related. This variant is predicted to lead to an abnormal or absent protein product due to the creation of a premature termination codon in LAMA2, a gene where loss-of-function variants are known to be pathogenic. Please note: this variant was assessed in the context of healthy population screening.

NM_000426.4(LAMA2):c.8543del (p.His2848fs)

Gene: LAMA2 (laminin subunit alpha 2; plus strand). Cytogenetic location: 6q22.33.
Variant type: Deletion.
Coding change: c.8543del on transcript NM_000426.4 (MANE Select); coding-DNA position 8543, one base deleted (A; older notation c.8543delA).
Protein change: p.His2848fs; shifts the reading frame from histidine 2848.
Molecular consequence: frameshift variant.
Genome position (GRCh38, 1-based): chr6:129,503,276, A deleted. VCF-style (leftmost placement, unchanged base first): chr6-129503275-CA-C. GRCh37 (hg19) VCF-style: chr6-129824420-CA-C.
Other names: c.8531del, p.His2844fs (NM_001079823.2); short protein forms H2844fs, H2848fs.
Identifiers: ClinVar variation 5013581 (VCV005013581.1), dbSNP rs1785794892.